The following is an entry in ClinVar:

NM_001129820.2(SLFN14):c.379C>T (p.Arg127Cys)

Gene: SLFN14 (schlafen family member 14; minus strand). Cytogenetic location: 17q12.
Variant type: single nucleotide variant.
Coding change: c.379C>T on transcript NM_001129820.2 (MANE Select); coding-DNA position 379, C replaced by T.
Protein change: p.Arg127Cys; replaces arginine 127 with cysteine.
Molecular consequence: missense variant.
Genome position (GRCh38, 1-based): chr17:35,557,684, G>A on the plus strand (C>T on the coding strand, the complement: SLFN14 is on the minus strand). VCF-style: chr17-35557684-G-A. GRCh37 (hg19) VCF-style: chr17-33884703-G-A.
Other names: p.Arg127Cys; c.379C>T (NM_001129820.1); short protein forms R127C.
Identifiers: ClinVar variation 2647670 (VCV002647670.26), dbSNP rs538967367, ClinGen allele CA8504704.

ClinVar aggregate classification (germline): Benign/Likely benign. Review status: criteria provided, multiple submitters, no conflicts (2 of 4 stars). 3 submissions from 3 submitters: Benign (1); Likely benign (2). Last evaluated 2025-09-18.

Conditions:
SLFN14-related disorder. Also called: SLFN14-related condition.

Allele frequency attached by ClinVar (database versions not stated): TOPMed 0.00017; 1000 Genomes Project 0.00020; 1000 Genomes Project 30x 0.00031; ExAC 0.00101.

Submissions (3):

PreventionGenetics, part of Exact Sciences
Classification: Likely benign for SLFN14-related condition. Last evaluated: 2025-09-18. Review status: criteria provided, single submitter. Criteria: ACMG Guidelines, 2015. Collection method: clinical testing. Allele origin: germline.
Comment: This variant is classified as likely benign based on ACMG/AMP sequence variant interpretation guidelines (Richards et al. 2015 PMID: 25741868, with internal and published modifications).

Mayo Clinic Laboratories, Mayo Clinic
Classification: Likely benign. Last evaluated: 2025-07-14. Review status: criteria provided, single submitter. Criteria: ACMG Guidelines, 2015. Collection method: clinical testing. Allele origin: germline. Observed: 1 variant allele.
Comment: BS1, BP4_moderate

CeGaT Center for Human Genetics Tuebingen
Classification: Benign. Last evaluated: 2023-03-01. Review status: criteria provided, single submitter. Criteria: CeGaT Center For Human Genetics Tuebingen Variant Classification Criteria Version 2. Collection method: clinical testing. Allele origin: germline. Affected: yes. Observed: 1 variant allele.
Comment: SLFN14: BP4, BS1, BS2